The following is an entry in ClinVar:

NM_002744.6(PRKCZ):c.778C>T (p.Arg260Cys)

Gene: PRKCZ (protein kinase C zeta; plus strand). Cytogenetic location: 1p36.33.
Variant type: single nucleotide variant.
Coding change: c.778C>T on transcript NM_002744.6 (MANE Select); coding-DNA position 778, C replaced by T.
Protein change: p.Arg260Cys; replaces arginine 260 with cysteine.
Molecular consequence: missense variant. On other transcripts: non-coding transcript variant (1).
Genome position (GRCh38, 1-based): chr1:2,150,880, C>T. VCF-style: chr1-2150880-C-T. GRCh37 (hg19) VCF-style: chr1-2082319-C-T.
Other names: c.229C>T, p.Arg77Cys (NM_001033581.3, NM_001033582.3, NM_001350803.2 and 1 more transcripts); c.466C>T, p.Arg156Cys (NM_001242874.3); c.67C>T, p.Arg23Cys (NM_001350805.2, NM_001350806.2); short protein forms R260C, R156C, R23C, R77C.
Identifiers: ClinVar variation 560255 (VCV000560255.3), dbSNP rs887317345, ClinGen allele CA16918181.

ClinVar aggregate classification (germline): Uncertain significance (1 of 4 stars; one submission).

Allele frequency attached by ClinVar (database versions not stated): gnomAD exomes below 0.00001.
gnomAD v4.1: 1 of 1,614,126 alleles (0.000062%); highest among the groups gnomAD compares: Non-Finnish European, 0.000085%; no homozygotes.

Submission:

Geisinger Autism and Developmental Medicine Institute, Geisinger Health System
Classification: Uncertain significance. Last evaluated: 2018-03-06. Review status: criteria provided, single submitter. Criteria: ACMG Guidelines, 2015. Collection method: provider interpretation, clinical testing. Allele origin: de novo. Observed: 1 variant allele.
Comment: The variant is absent from the gnomAD database, and it was found to be de novo (with maternity and paternity confirmed). Computational prediction models are inconsistent. This is a gene of uncertain significance; no known human disorders have been clearly associated with this gene. The gene is not constrained for missense or loss of function variants, and deletions are reported in the Database of Genomic Variation. Additionally, whole exome sequencing also identified two additional variants of uncertain significance.